The following is an entry in ClinVar:

ClinVar aggregate classification (germline): Uncertain significance (0 of 4 stars; one submission).

Conditions:
RAB23-related disorder. Also called: RAB23-related condition.

gnomAD v4.1: 18 of 1,613,920 alleles (0.0011%); highest among the groups gnomAD compares: Middle Eastern, 0.016%; no homozygotes.

Submission:

PreventionGenetics, part of Exact Sciences
Classification: Uncertain significance for RAB23-related condition. Last evaluated: 2024-06-25. Review status: no assertion criteria provided. Collection method: clinical testing. Allele origin: germline.
Comment: The RAB23 c.341T>C variant is predicted to result in the amino acid substitution p.Ile114Thr. To our knowledge, this variant has not been reported in the literature. This variant is reported in 0.0040% of alleles in individuals of African descent in gnomAD. At this time, the clinical significance of this variant is uncertain due to the absence of conclusive functional and genetic evidence.

NM_016277.5(RAB23):c.341T>C (p.Ile114Thr)

Gene: RAB23 (RAB23, member RAS oncogene family; minus strand). Cytogenetic location: 6p12.1.
Variant type: single nucleotide variant.
Coding change: c.341T>C on transcript NM_016277.5 (MANE Select); coding-DNA position 341, T replaced by C.
Protein change: p.Ile114Thr; replaces isoleucine 114 with threonine.
Molecular consequence: missense variant.
Genome position (GRCh38, 1-based): chr6:57,196,507, A>G on the plus strand (T>C on the coding strand, the complement: RAB23 is on the minus strand). VCF-style: chr6-57196507-A-G. GRCh37 (hg19) VCF-style: chr6-57061305-A-G.
Other names: c.341T>C, p.Ile114Thr (NM_001278666.2, NM_001278667.2, NM_001278668.2 and 1 more transcripts); short protein forms I114T.
Identifiers: ClinVar variation 3350846 (VCV003350846.1).
Genomic context (GRCh38, chr6:57,196,507, plus strand): 5'-TACTTCTTTATACAAGAATCATCCAGAAGATCAATCTTGTTTTGCACAAGTACAGTTGGT[A>G]TATCTCCCACTTCGGCTACTACTTTCTCTCTCCAACTGGAAACTGCTTCAAAAGATTCCC-3'
Protein context (NP_057361.3, residues 104-124): REKVVAEVGD[Ile114Thr]PTVLVQNKID